The following is an entry in ClinVar:

NM_022436.3(ABCG5):c.609C>T (p.Ile203=)

Genes: ABCG5 (ATP binding cassette subfamily G member 5; minus strand), DYNC2LI1 (dynein cytoplasmic 2 light intermediate chain 1; plus strand). Cytogenetic location: 2p21.
Variant type: single nucleotide variant.
Coding change: c.609C>T on transcript NM_022436.3 (MANE Select); coding-DNA position 609, C replaced by T.
Protein change: p.Ile203=; no amino-acid change (isoleucine 203 retained).
Molecular consequence: synonymous variant. On other transcripts: 3 prime UTR variant (2).
Genome position (GRCh38, 1-based): chr2:43,828,008, G>A on the plus strand (C>T on the coding strand, the complement: ABCG5 is on the minus strand). VCF-style: chr2-43828008-G-A. GRCh37 (hg19) VCF-style: chr2-44055147-G-A.
Other names: c.*638G>A (NM_001348912.2, NM_001348913.2).
Identifiers: ClinVar variation 1751559 (VCV001751559.8), dbSNP rs775594151, ClinGen allele CA1636591.

ClinVar aggregate classification (germline): Likely benign. Review status: criteria provided, multiple submitters, no conflicts (2 of 4 stars). 4 submissions from 4 submitters: Likely benign (3). 1 of the submissions does not count toward it. Last evaluated 2025-07-18.

Conditions:
Sitosterolemia (STSL). Also called: PHYTOSTEROLEMIA. Identifiers: Orphanet 2882, MedGen C0342907, MONDO:0008863.
ABCG5-related disorder. Also called: ABCG5-related condition.
Cardiovascular phenotype. Identifiers: MedGen CN230736.

Allele frequency attached by ClinVar (database versions not stated): gnomAD 0.00002; TOPMed 0.00002.
gnomAD v4.1: 30 of 1,613,970 alleles (0.0019%); highest among the groups gnomAD compares: East Asian, 0.0045%; no homozygotes.

Submissions (4):

Labcorp Genetics (formerly Invitae), Labcorp
Classification: Likely benign for Sitosterolemia. Last evaluated: 2025-07-18. Review status: criteria provided, single submitter. Criteria: Invitae Variant Classification Sherloc (09022015). Collection method: clinical testing. Allele origin: germline.

Blueprint Genetics
Classification: Likely benign. Last evaluated: 2023-06-05. Review status: criteria provided, single submitter. Criteria: ACMG Guidelines, 2015. Collection method: clinical testing. Allele origin: germline.

Ambry Genetics
Classification: Likely benign for Cardiovascular phenotype. Last evaluated: 2019-07-10. Review status: criteria provided, single submitter. Criteria: Ambry Variant Classification Scheme 2023. Collection method: clinical testing. Allele origin: germline.

PreventionGenetics, part of Exact Sciences
Classification: Likely benign for ABCG5-related condition. Last evaluated: 2021-07-20. Review status: no assertion criteria provided. Collection method: clinical testing. Allele origin: germline. Not counted in ClinVar's aggregate classification.
Comment: This variant is classified as likely benign based on ACMG/AMP sequence variant interpretation guidelines (Richards et al. 2015 PMID: 25741868, with internal and published modifications).